The following is an entry in ClinVar:

NM_021096.4(CACNA1I):c.5288_5290del (p.Arg1763_Leu1764delinsMet)

Gene: CACNA1I (calcium voltage-gated channel subunit alpha1 I; plus strand). Cytogenetic location: 22q13.1.
Variant type: Deletion.
Coding change: c.5288_5290del on transcript NM_021096.4 (MANE Select); coding-DNA positions 5288 to 5290, 3 bases deleted (GGC; older notation c.5288_5290delGGC).
Protein change: p.Arg1763_Leu1764delinsMet.
Molecular consequence: inframe indel.
Genome position (GRCh38, 1-based): chr22:39,679,339-39,679,341, GGC deleted. VCF-style (leftmost placement, unchanged base first): chr22-39679338-AGGC-A. GRCh37 (hg19) VCF-style: chr22-40075343-AGGC-A.
Other names: c.5183_5185del, p.Arg1728_Leu1729delinsMet (NM_001003406.2).
Identifiers: ClinVar variation 4985492 (VCV004985492.1).

ClinVar aggregate classification (germline): Uncertain significance (1 of 4 stars; one submission).

Conditions:
CACNA1I-related disorder. Also called: CACNA1I-related condition.

Submission:

PreventionGenetics, part of Exact Sciences
Classification: Uncertain significance for CACNA1I-related condition. Last evaluated: 2025-09-24. Review status: criteria provided, single submitter. Criteria: ACMG Guidelines, 2015. Collection method: clinical testing. Allele origin: germline.
Comment: The CACNA1I c.5288_5290delGGC variant is predicted to result in an in-frame deletion (p.Arg1763_Leu1764delinsMet). To our knowledge, this variant has not been reported in the literature or in a large population database (gnomAD), indicating this variant is rare. At this time, the clinical significance of this variant is uncertain due to the absence of conclusive functional and genetic evidence.